The following is an entry in ClinVar:

ClinVar aggregate classification (germline): Benign. Review status: criteria provided, multiple submitters, no conflicts (2 of 4 stars). 2 submissions from 2 submitters: Benign (2). Last evaluated 2018-01-12.

Conditions:
Erythrokeratodermia variabilis et progressiva 1 (EKVP1). Also called: ERYTHROKERATODERMIA FIGURATA, CONGENITAL FAMILIAL, IN PLAQUES; ERYTHROKERATODERMIA VARIABILIS WITH ERYTHEMA GYRATUM REPENS; ERYTHROKERATODERMIA, PROGRESSIVE SYMMETRIC. Identifiers: Orphanet 317, MedGen C4551486, MONDO:0033010, OMIM 133200.

Allele frequency attached by ClinVar (database versions not stated): 1000 Genomes Project 30x 0.06090; 1000 Genomes Project 0.06130; gnomAD 0.09651 and 0.09992; TOPMed 0.09693; gnomAD exomes 0.10767.
gnomAD v4.1: 17,751 of 178,256 alleles (10%); highest among the groups gnomAD compares: Middle Eastern, 14%; 1,061 homozygotes.

Submissions (2):

Illumina Laboratory Services, Illumina
Classification: Benign for Erythrokeratodermia variabilis et progressiva 1. Last evaluated: 2018-01-12. Review status: criteria provided, single submitter. Criteria: ICSL Variant Classification Criteria 13 December 2019. Collection method: clinical testing. Allele origin: germline.
Comment: This variant was observed in the ICSL laboratory as part of a predisposition screen in an ostensibly healthy population. It had not been previously curated by ICSL or reported in the Human Gene Mutation Database (HGMD: prior to June 1st, 2018), and was therefore a candidate for classification through an automated scoring system. Utilizing variant allele frequency, disease prevalence and penetrance estimates, and inheritance mode, an automated score was calculated to assess if this variant is too frequent to cause the disease. Based on the score and internal cut-off values, a variant classified as benign is not then subjected to further curation. The score for this variant resulted in a classification of benign for this disease.

Breakthrough Genomics
Classification: Benign. Review status: criteria provided, single submitter. Criteria: ACMG Guidelines, 2015. Collection method: not provided. Allele origin: germline. Inheritance: Autosomal dominant inheritance. Affected: yes.

NM_024009.3(GJB3):c.*493C>T

Gene: GJB3 (gap junction protein beta 3; plus strand). Cytogenetic location: 1p34.3.
Variant type: single nucleotide variant.
Coding change: c.*493C>T on transcript NM_024009.3 (MANE Select); 493 bases downstream of the stop codon, C replaced by T.
Molecular consequence: 3 prime UTR variant.
Genome position (GRCh38, 1-based): chr1:34,786,068, C>T. VCF-style: chr1-34786068-C-T. GRCh37 (hg19) VCF-style: chr1-35251669-C-T.
Other names: c.*493C>T (NM_001005752.2).
Identifiers: ClinVar variation 297207 (VCV000297207.6), dbSNP rs13774, ClinGen allele CA10610082.